The following is an entry in ClinVar:

NM_001376.5(DYNC1H1):c.13925T>C (p.Val4642Ala)

Gene: DYNC1H1 (dynein cytoplasmic 1 heavy chain 1; plus strand). Cytogenetic location: 14q32.31.
Variant type: single nucleotide variant.
Coding change: c.13925T>C on transcript NM_001376.5 (MANE Select); coding-DNA position 13925, T replaced by C.
Protein change: p.Val4642Ala; replaces valine 4642 with alanine.
Molecular consequence: missense variant.
Genome position (GRCh38, 1-based): chr14:102,050,547, T>C. VCF-style: chr14-102050547-T-C. GRCh37 (hg19) VCF-style: chr14-102516884-T-C.
Other names: short protein forms V4642A.
Identifiers: ClinVar variation 1720058 (VCV001720058.5), dbSNP rs2503893826, ClinGen allele CA391052728.

ClinVar aggregate classification (germline): Uncertain significance (1 of 4 stars; one submission).

Conditions:
Charcot-Marie-Tooth disease axonal type 2O. Also called: CHARCOT-MARIE-TOOTH NEUROPATHY, AXONAL, TYPE 2O; CHARCOT-MARIE-TOOTH DISEASE, AXONAL, AUTOSOMAL DOMINANT, TYPE 2O; Charcot-Marie-Tooth disease, axonal, type 20; Charcot-Marie-Tooth Neuropathy Type 2O. Identifiers: Orphanet 284232, MedGen C3280220, MONDO:0013644, OMIM 614228.

Submission:

Labcorp Genetics (formerly Invitae), Labcorp
Classification: Uncertain significance for Charcot-Marie-Tooth disease axonal type 2O. Last evaluated: 2022-07-20. Review status: criteria provided, single submitter. Criteria: Invitae Variant Classification Sherloc (09022015). Collection method: clinical testing. Allele origin: germline.
Comment: This variant has not been reported in the literature in individuals affected with DYNC1H1-related conditions. In summary, the available evidence is currently insufficient to determine the role of this variant in disease. Therefore, it has been classified as a Variant of Uncertain Significance. Advanced modeling of protein sequence and biophysical properties (such as structural, functional, and spatial information, amino acid conservation, physicochemical variation, residue mobility, and thermodynamic stability) performed at Invitae indicates that this missense variant is not expected to disrupt DYNC1H1 protein function. This variant is not present in population databases (gnomAD no frequency). This sequence change replaces valine, which is neutral and non-polar, with alanine, which is neutral and non-polar, at codon 4642 of the DYNC1H1 protein (p.Val4642Ala).